The following is an entry in ClinVar:

ClinVar aggregate classification (germline): Uncertain significance (1 of 4 stars; one submission).

Conditions:
Developmental and epileptic encephalopathy, 53. Also called: Epileptic encephalopathy, early infantile, 53. Identifiers: MedGen C4479313, MONDO:0033362, OMIM 617389.
Early-onset Parkinson disease 20. Also called: PARKINSON DISEASE 20, AUTOSOMAL RECESSIVE EARLY-ONSET. Identifiers: Orphanet 391411, MedGen C3809824, MONDO:0014233, OMIM 615530.

Submission:

Labcorp Genetics (formerly Invitae), Labcorp
Classification: Uncertain significance for Developmental and epileptic encephalopathy, 53; Early-onset Parkinson disease 20. Last evaluated: 2020-01-31. Review status: criteria provided, single submitter. Criteria: Invitae Variant Classification Sherloc (09022015). Collection method: clinical testing. Allele origin: germline.
Comment: This variant has not been reported in the literature in individuals with SYNJ1-related conditions. This variant is not present in population databases (ExAC no frequency). This sequence change replaces proline with leucine at codon 1595 of the SYNJ1 protein (p.Pro1595Leu). The proline residue is highly conserved and there is a moderate physicochemical difference between proline and leucine. In summary, the available evidence is currently insufficient to determine the role of this variant in disease. Therefore, it has been classified as a Variant of Uncertain Significance. Algorithms developed to predict the effect of missense changes on protein structure and function are either unavailable or do not agree on the potential impact of this missense change (SIFT: "Deleterious"; PolyPhen-2: "Possibly Damaging"; Align-GVGD: "Class C15").

NM_203446.3(SYNJ1):c.*755C>T

Gene: SYNJ1 (synaptojanin 1; minus strand). Cytogenetic location: 21q22.11.
Variant type: single nucleotide variant.
Coding change: c.*755C>T on transcript NM_203446.3 (MANE Select); 755 bases downstream of the stop codon, C replaced by T.
Molecular consequence: 3 prime UTR variant. On other transcripts: missense variant (2).
Genome position (GRCh38, 1-based): chr21:32,631,050, G>A on the plus strand (C>T on the coding strand, the complement: SYNJ1 is on the minus strand). VCF-style: chr21-32631050-G-A. GRCh37 (hg19) VCF-style: chr21-34003360-G-A.
Other names: c.*755C>T (NM_001160302.2); c.4526C>T, p.Pro1509Leu (NM_001160306.2); c.4784C>T, p.Pro1595Leu (NM_003895.4); short protein forms P1509L, P1595L.
Identifiers: ClinVar variation 1038118 (VCV001038118.10), dbSNP rs2039299981, ClinGen allele CA410080596.
Genomic context (GRCh38, chr21:32,631,050, plus strand): 5'-TGGCGTTATCTTTCTGTAAAGTCCAGTGTGGGTGAAGCCTTAGAGGCCAAGGTCGTGAAA[G>A]GATCTACTGGAGGGCTGGTGCCGGGCGGGAGCAGAGGGACAGGAGGTGGAGGAGGTCTTC-3'